The following is an entry in ClinVar:

NM_153717.3(EVC):c.2449+1G>A

Gene: EVC (EvC ciliary complex subunit 1; plus strand). Cytogenetic location: 4p16.2.
Variant type: single nucleotide variant.
Coding change: c.2449+1G>A on transcript NM_153717.3 (MANE Select); the canonical splice donor site of the intron after coding-DNA position 2449, G replaced by A.
Molecular consequence: splice donor variant.
Genome position (GRCh38, 1-based): chr4:5,802,095, G>A. VCF-style: chr4-5802095-G-A. GRCh37 (hg19) VCF-style: chr4-5803822-G-A.
Other names: c.2449+1G>A (NM_001306090.2).
Identifiers: ClinVar variation 551324 (VCV000551324.15), dbSNP rs1553893423, ClinGen allele CA356147221.
Genomic context (GRCh38, chr4:5,802,095, plus strand): 5'-TCGGAAGGATCATGGAGGACCACGAGGAGAGAAAACTGCAGCACCTGAAGACCCTGCAGG[G>A]TACGGGACCCCCCCTCAGGGAAGCCCCAGAAGAGACTGGCAATGTGTGCTTTTAGTTTGG-3'

ClinVar aggregate classification (germline): Conflicting classifications of pathogenicity. Review status: criteria provided, conflicting classifications (1 of 4 stars). 6 submissions from 6 submitters: Pathogenic (1); Likely pathogenic (3); Uncertain significance (1). 1 of the submissions does not count toward it. Last evaluated 2024-12-10.

Conditions:
Curry-Hall syndrome (WAD). Also called: WEYERS ACRODENTAL DYSOSTOSIS. Identifiers: Orphanet 952, MedGen C0457013, MONDO:0008673, OMIM 193530.
Ellis-van Creveld syndrome (EVC). Also called: Chondroectodermal dysplasia; MESOECTODERMAL DYSPLASIA. Identifiers: Orphanet 289, MedGen C0013903, MONDO:0009162, OMIM 225500.

gnomAD v4.1: 2 of 1,599,486 alleles (0.00013%); no homozygotes.

Submissions (6):

Natera, Inc.
Classification: Likely pathogenic for Ellis-van Creveld syndrome. Last evaluated: 2024-12-10. Review status: criteria provided, single submitter. Criteria: Natera Variant Classification Schema (03/2026). Collection method: clinical testing. Allele origin: germline.
Comment: The c.2449+1G>A variant in EVC is a canonical splice donor site variant predicted to affect pre-mRNA splicing, which may result in an abnormal transcript and altered protein product. This variant is expected to result in nonsense mediated decay, truncation, or a dysfunctional protein product. This variant is rare in the general population with a frequency below the threshold expected for the associated phenotype(s). Given the available evidence, this variant is classified as Likely Pathogenic.

Genomic Medicine Center of Excellence, King Faisal Specialist Hospital and Research Centre
Classification: Uncertain significance for Ellis-van Creveld syndrome. Last evaluated: 2024-03-25. Review status: criteria provided, single submitter. Criteria: ACMG Guidelines, 2015. Collection method: research. Allele origin: germline.

Labcorp Genetics (formerly Invitae), Labcorp
Classification: Likely pathogenic for Curry-Hall syndrome; Ellis-van Creveld syndrome. Last evaluated: 2022-08-08. Review status: criteria provided, single submitter. Criteria: Invitae Variant Classification Sherloc (09022015). Collection method: clinical testing. Allele origin: germline.
Comment: In summary, the currently available evidence indicates that the variant is pathogenic, but additional data are needed to prove that conclusively. Therefore, this variant has been classified as Likely Pathogenic. Algorithms developed to predict the effect of sequence changes on RNA splicing suggest that this variant may disrupt the consensus splice site. ClinVar contains an entry for this variant (Variation ID: 551324). This variant has not been reported in the literature in individuals affected with EVC-related conditions. This variant is not present in population databases (gnomAD no frequency). This sequence change affects a donor splice site in intron 16 of the EVC gene. It is expected to disrupt RNA splicing. Variants that disrupt the donor or acceptor splice site typically lead to a loss of protein function (PMID: 16199547), and loss-of-function variants in EVC are known to be pathogenic (PMID: 23220543).

Fulgent Genetics
Classification: Likely pathogenic for Curry-Hall syndrome; Ellis-van Creveld syndrome. Last evaluated: 2022-01-21. Review status: criteria provided, single submitter. Criteria: ACMG Guidelines, 2015. Collection method: clinical testing. Allele origin: unknown.

Kariminejad - Najmabadi Pathology & Genetics Center
Classification: Pathogenic for Ellis-van Creveld syndrome. Review status: criteria provided, single submitter. Criteria: ACMG Guidelines, 2015. Collection method: clinical testing. Allele origin: germline. Affected: no.

Counsyl
Classification: Likely pathogenic for Ellis-van Creveld syndrome. Last evaluated: 2017-03-30. Review status: no assertion criteria provided. Collection method: clinical testing. Allele origin: unknown. Not counted in ClinVar's aggregate classification.

Literature cited by the submitters: PubMed 16199547 (cited by Labcorp Genetics (formerly Invitae), Labcorp); PubMed 23220543 (cited by Labcorp Genetics (formerly Invitae), Labcorp).